The following is an entry in ClinVar:

NM_005909.5(MAP1B):c.2878G>A (p.Glu960Lys)

Gene: MAP1B (microtubule associated protein 1B; plus strand). Cytogenetic location: 5q13.2.
Variant type: single nucleotide variant.
Coding change: c.2878G>A on transcript NM_005909.5 (MANE Select); coding-DNA position 2878, G replaced by A.
Protein change: p.Glu960Lys; replaces glutamic acid 960 with lysine.
Molecular consequence: missense variant.
Genome position (GRCh38, 1-based): chr5:72,196,233, G>A. VCF-style: chr5-72196233-G-A. GRCh37 (hg19) VCF-style: chr5-71492060-G-A.
Other names: c.2500G>A, p.Glu834Lys (NM_001324255.2); short protein forms E834K, E960K.
Identifiers: ClinVar variation 3336020 (VCV003336020.1).

ClinVar aggregate classification (germline): Uncertain significance (1 of 4 stars; one submission).

gnomAD v4.1: 1 of 1,613,760 alleles (0.000062%); highest among the groups gnomAD compares: Non-Finnish European, 0.000085%; no homozygotes.

Submission:

Women's Health and Genetics/Laboratory Corporation of America, LabCorp
Classification: Uncertain significance. Last evaluated: 2024-05-13. Review status: criteria provided, single submitter. Criteria: LabCorp Variant Classification Summary - May 2015. Collection method: clinical testing. Allele origin: germline.
Comment: Variant summary: MAP1B c.2878G>A (p.Glu960Lys) results in a conservative amino acid change in the encoded protein sequence. Five of five in-silico tools predict a benign effect of the variant on protein function. The variant allele was found at a frequency of 4e-06 in 251112 control chromosomes. The available data on variant occurrences in the general population are insufficient to allow any conclusion about variant significance. To our knowledge, no occurrence of c.2878G>A in individuals affected with Periventricular Nodular Heterotopia 9 and no experimental evidence demonstrating its impact on protein function have been reported. No submitters have cited clinical-significance assessments for this variant to ClinVar. Based on the evidence outlined above, the variant was classified as uncertain significance.